The following is an entry in ClinVar:

NM_030912.3(TRIM8):c.348G>C (p.Gln116His)

Gene: TRIM8 (tripartite motif containing 8; plus strand). Cytogenetic location: 10q24.32.
Variant type: single nucleotide variant.
Coding change: c.348G>C on transcript NM_030912.3 (MANE Select); coding-DNA position 348, G replaced by C.
Protein change: p.Gln116His; replaces glutamine 116 with histidine.
Molecular consequence: missense variant. On other transcripts: non-coding transcript variant (1).
Genome position (GRCh38, 1-based): chr10:102,644,965, G>C. VCF-style: chr10-102644965-G-C. GRCh37 (hg19) VCF-style: chr10-104404722-G-C.
Other names: c.348G>C, p.Gln116His (NM_001345950.1); short protein forms Q116H.
Identifiers: ClinVar variation 3675761 (VCV003675761.2).

ClinVar aggregate classification (germline): Uncertain significance (1 of 4 stars; one submission).

Submission:

Labcorp Genetics (formerly Invitae), Labcorp
Classification: Uncertain significance. Last evaluated: 2024-03-30. Review status: criteria provided, single submitter. Criteria: Invitae Variant Classification Sherloc (09022015). Collection method: clinical testing. Allele origin: germline.
Comment: This sequence change replaces glutamine, which is neutral and polar, with histidine, which is basic and polar, at codon 116 of the TRIM8 protein (p.Gln116His). This variant is not present in population databases (gnomAD no frequency). This variant has not been reported in the literature in individuals affected with TRIM8-related conditions. An algorithm developed to predict the effect of missense changes on protein structure and function (PolyPhen-2) suggests that this variant is likely to be tolerated. In summary, the available evidence is currently insufficient to determine the role of this variant in disease. Therefore, it has been classified as a Variant of Uncertain Significance.